The following is an entry in ClinVar:

ClinVar aggregate classification (germline): Uncertain significance (1 of 4 stars; one submission).

Allele frequency attached by ClinVar (database versions not stated): TOPMed below 0.00001; ESP Exome Variant Server 0.00008.
gnomAD v4.1: 23 of 1,613,428 alleles (0.0014%); highest among the groups gnomAD compares: Non-Finnish European, 0.0018%; no homozygotes.

Submission:

Labcorp Genetics (formerly Invitae), Labcorp
Classification: Uncertain significance. Last evaluated: 2022-10-04. Review status: criteria provided, single submitter. Criteria: Invitae Variant Classification Sherloc (09022015). Collection method: clinical testing. Allele origin: germline.
Comment: In summary, the available evidence is currently insufficient to determine the role of this variant in disease. Therefore, it has been classified as a Variant of Uncertain Significance. Algorithms developed to predict the effect of missense changes on protein structure and function are either unavailable or do not agree on the potential impact of this missense change (SIFT: "Deleterious"; PolyPhen-2: "Possibly Damaging"; Align-GVGD: "Class C0"). ClinVar contains an entry for this variant (Variation ID: 1050978). This variant has not been reported in the literature in individuals affected with TMEM126A-related conditions. This variant is present in population databases (rs140410138, gnomAD 0.0009%). This sequence change replaces threonine, which is neutral and polar, with asparagine, which is neutral and polar, at codon 100 of the TMEM126A protein (p.Thr100Asn).

NM_032273.4(TMEM126A):c.299C>A (p.Thr100Asn)

Gene: TMEM126A (transmembrane protein 126A; plus strand). Cytogenetic location: 11q14.1.
Variant type: single nucleotide variant.
Coding change: c.299C>A on transcript NM_032273.4 (MANE Select); coding-DNA position 299, C replaced by A.
Protein change: p.Thr100Asn; replaces threonine 100 with asparagine.
Molecular consequence: missense variant.
Genome position (GRCh38, 1-based): chr11:85,655,612, C>A. VCF-style: chr11-85655612-C-A. GRCh37 (hg19) VCF-style: chr11-85366656-C-A.
Other names: c.89C>A, p.Thr30Asn (NM_001244735.2); short protein forms T100N, T30N.
Identifiers: ClinVar variation 1050978 (VCV001050978.10), dbSNP rs140410138, ClinGen allele CA225304005.